The following is an entry in ClinVar:

ClinVar aggregate classification (germline): Likely pathogenic (1 of 4 stars; one submission).

Conditions:
Intellectual developmental disorder 62. Also called: MENTAL RETARDATION, AUTOSOMAL DOMINANT 62; INTELLECTUAL DEVELOPMENTAL DISORDER, AUTOSOMAL DOMINANT 62. Identifiers: MedGen C5394083, MONDO:0032919, OMIM 618793.

Submission:

Equipe Genetique des Anomalies du Developpement, Université de Bourgogne
Classification: Likely pathogenic for Intellectual developmental disorder 62. Last evaluated: 2024-05-30. Review status: criteria provided, single submitter. Criteria: ACMG Guidelines, 2015. Collection method: clinical testing. Allele origin: germline. Affected: yes.
Comment: This is a nonsense variant predicted to result in a premature stop codon at position 334 and likely results in an absent or disrupted protein product. Loss-of-function variants of DLG4 are reported in an autosomal dominant form of intellectual developmental disorder (OMIM #618793) (PMID 37347881, 33597769). This variant is not present in population database gnomAD (v4.1.0). It has not been reported in ClinVar. It has not been reported in literature. Based on the evidence outlined above, the variant was classified as likely pathogenic.

Literature cited by the submitters: PubMed 37347881; PubMed 33597769.

NM_001321075.3(DLG4):c.1000G>T (p.Glu334Ter)

Genes: DLG4 (discs large MAGUK scaffold protein 4; minus strand), LOC126862479 (MED14-independent group 3 enhancer GRCh37_chr17:7099412-7100611; plus strand). Cytogenetic location: 17p13.1.
Variant type: single nucleotide variant.
Coding change: c.1000G>T on transcript NM_001321075.3 (MANE Select); coding-DNA position 1000, G replaced by T.
Protein change: p.Glu334Ter; replaces glutamic acid 334 with a stop codon.
Molecular consequence: nonsense. On other transcripts: non-coding transcript variant (1).
Genome position (GRCh38, 1-based): chr17:7,196,840, C>A on the plus strand (G>T on the coding strand, the complement: DLG4 is on the minus strand). VCF-style: chr17-7196840-C-A. GRCh37 (hg19) VCF-style: chr17-7100159-C-A.
Other names: c.991G>T, p.Glu331Ter (NM_001128827.4); c.1120G>T, p.Glu374Ter (NM_001321074.1); c.820G>T, p.Glu274Ter (NM_001321076.3, NM_001321077.3); c.1129G>T, p.Glu377Ter (NM_001365.5); c.919G>T, p.Glu307Ter (NM_001369566.3); short protein forms E274*, E307*, E331*, E334*, E374*, E377*.
Identifiers: ClinVar variation 3375482 (VCV003375482.2).